The following is an entry in ClinVar:

NM_000548.5(TSC2):c.4246G>A (p.Ala1416Thr)

Gene: TSC2 (TSC complex subunit 2; plus strand). Cytogenetic location: 16p13.3.
Variant type: single nucleotide variant.
Coding change: c.4246G>A on transcript NM_000548.5 (MANE Select); coding-DNA position 4246, G replaced by A.
Protein change: p.Ala1416Thr; replaces alanine 1416 with threonine.
Molecular consequence: missense variant. On other transcripts: non-coding transcript variant (5).
Genome position (GRCh38, 1-based): chr16:2,084,468, G>A. VCF-style: chr16-2084468-G-A. GRCh37 (hg19) VCF-style: chr16-2134469-G-A.
Other names: c.3577G>A, p.Ala1193Thr (NM_001406683.1, NM_001406682.1); c.3574G>A, p.Ala1192Thr (NM_001406684.1); c.3448G>A, p.Ala1150Thr (NM_001406685.1, NM_001406686.1); c.3445G>A, p.Ala1149Thr (NM_001406687.1, NM_001406688.1); c.2833G>A, p.Ala945Thr (NM_001406689.1); c.2773G>A, p.Ala925Thr (NM_001406690.1); c.2770G>A, p.Ala924Thr (NM_001406691.1); c.4036G>A, p.Ala1346Thr (NM_001406671.1); and 26 more; short protein forms A1150T, A1356T, A1360T, A1372T, A1390T, A1393T, A902T, A1216T.
Identifiers: ClinVar variation 5031411 (VCV005031411.1).
Genomic context (GRCh38, chr16:2,084,468, plus strand): 5'-GACATCCTCGGGGACCCTGGGGACAAGGCCGACGTGGGCCGGCTGAGCCCTGAGGTTAAG[G>A]CCCGGTCACAGTCAGGGACCCTGGACGGGGAAAGTGCTGCCTGGTCGGCCTCGGGCGAAG-3'
Protein context (NP_000539.2, residues 1406-1426): DVGRLSPEVK[Ala1416Thr]RSQSGTLDGE

ClinVar aggregate classification (germline): Uncertain significance (1 of 4 stars; one submission).

Conditions:
Hereditary cancer-predisposing syndrome. Also called: Neoplastic Syndromes, Hereditary; Tumor predisposition; Hereditary neoplastic syndrome; Hereditary Cancer Syndrome. Identifiers: Orphanet 140162, MedGen C0027672, MeSH D009386, MONDO:0015356.

Submission:

Ambry Genetics
Classification: Uncertain significance for Hereditary cancer-predisposing syndrome. Last evaluated: 2026-09-09. Review status: criteria provided, single submitter. Criteria: Ambry Variant Classification Scheme 2023. Collection method: clinical testing. Allele origin: germline.
Comment: The p.A1416T variant (also known as c.4246G>A), located in coding exon 33 of the TSC2 gene, results from a G to A substitution at nucleotide position 4246. The alanine at codon 1416 is replaced by threonine, an amino acid with similar properties. This amino acid position is conserved. In addition, the in silico prediction for this alteration is inconclusive. Based on the available evidence, the clinical significance of this variant remains unclear.